The following is an entry in ClinVar:

ClinVar aggregate classification (germline): Uncertain significance (1 of 4 stars; one submission).

Allele frequency attached by ClinVar (database versions not stated): TOPMed below 0.00001; gnomAD 0.00001; gnomAD exomes 0.00002.
gnomAD v4.1: 24 of 1,613,896 alleles (0.0015%); highest among the groups gnomAD compares: Non-Finnish European, 0.0019%; no homozygotes.

Submission:

CeGaT Center for Human Genetics Tuebingen
Classification: Uncertain significance. Last evaluated: 2024-01-01. Review status: criteria provided, single submitter. Criteria: CeGaT Center For Human Genetics Tuebingen Variant Classification Criteria Version 2. Collection method: clinical testing. Allele origin: germline. Affected: yes. Observed: 1 variant allele.
Comment: MYO15A: PM2, BP4

NM_016239.4(MYO15A):c.5548G>A (p.Ala1850Thr)

Gene: MYO15A (myosin XVA; plus strand). Cytogenetic location: 17p11.2.
Variant type: single nucleotide variant.
Coding change: c.5548G>A on transcript NM_016239.4 (MANE Select); coding-DNA position 5548, G replaced by A.
Protein change: p.Ala1850Thr; replaces alanine 1850 with threonine.
Molecular consequence: missense variant.
Genome position (GRCh38, 1-based): chr17:18,141,669, G>A. VCF-style: chr17-18141669-G-A. GRCh37 (hg19) VCF-style: chr17-18044983-G-A.
Other names: short protein forms A1850T.
Identifiers: ClinVar variation 3027020 (VCV003027020.22), dbSNP rs764266710, ClinGen allele CA288403941.